The following is an entry in ClinVar:

NM_002693.3(POLG):c.2377G>A (p.Glu793Lys)

Gene: POLG (DNA polymerase gamma, catalytic subunit; minus strand). Cytogenetic location: 15q26.1.
Variant type: single nucleotide variant.
Coding change: c.2377G>A on transcript NM_002693.3 (MANE Select); coding-DNA position 2377, G replaced by A.
Protein change: p.Glu793Lys; replaces glutamic acid 793 with lysine.
Molecular consequence: missense variant.
Genome position (GRCh38, 1-based): chr15:89,322,791, C>T on the plus strand (G>A on the coding strand, the complement: POLG is on the minus strand). VCF-style: chr15-89322791-C-T. GRCh37 (hg19) VCF-style: chr15-89866022-C-T.
Other names: c.2377G>A, p.Glu793Lys (NM_001126131.2); short protein forms E793K.
Identifiers: ClinVar variation 1309963 (VCV001309963.6), dbSNP rs2152062371, ClinGen allele CA393756358.
Genomic context (GRCh38, chr15:89,322,791, plus strand): 5'-TGGTGGCCCACCTGATACGTTTATGGGCGTTCCTCCAGAAAGAAATCATTTTGTTGATTT[C>T]CAGAGCACGGGGCCCACTGGCACCTCCTGGGCCAGCCTGCAGGGTGCCATCCTCCATCTT-3'
Protein context (NP_002684.1, residues 783-803): PGGASGPRAL[Glu793Lys]INKMISFWRN

ClinVar aggregate classification (germline): Uncertain significance. Review status: criteria provided, multiple submitters, no conflicts (2 of 4 stars). 3 submissions from 3 submitters: Uncertain significance (3). Last evaluated 2024-08-06.

Conditions:
Progressive sclerosing poliodystrophy (MTDPS4A). Also called: Mitochondrial DNA Depletion Syndrome 4A; Alpers-Huttenlocher Syndrome (AHS); Alpers Syndrome; ALPERS DIFFUSE DEGENERATION OF CEREBRAL GRAY MATTER WITH HEPATIC CIRRHOSIS; Alpers-Huttenlocher Syndrome; Mitochondrial DNA depletion syndrome 4A (Alpers type). Identifiers: Orphanet 726, MedGen C0205710, MONDO:0008758, OMIM 203700.
Inborn genetic diseases. Identifiers: MedGen C0950123, MeSH D030342.

gnomAD v4.1: 3 of 1,614,180 alleles (0.00019%); highest among the groups gnomAD compares: Non-Finnish European, 0.00025%; no homozygotes.

Submissions (3):

Labcorp Genetics (formerly Invitae), Labcorp
Classification: Uncertain significance for Progressive sclerosing poliodystrophy. Last evaluated: 2024-08-06. Review status: criteria provided, single submitter. Criteria: Invitae Variant Classification Sherloc (09022015). Collection method: clinical testing. Allele origin: germline.
Comment: This sequence change replaces glutamic acid, which is acidic and polar, with lysine, which is basic and polar, at codon 793 of the POLG protein (p.Glu793Lys). This variant is not present in population databases (gnomAD no frequency). This variant has not been reported in the literature in individuals affected with POLG-related conditions. ClinVar contains an entry for this variant (Variation ID: 1309963). Advanced modeling of protein sequence and biophysical properties (such as structural, functional, and spatial information, amino acid conservation, physicochemical variation, residue mobility, and thermodynamic stability) has been performed at Invitae for this missense variant, however the output from this modeling did not meet the statistical confidence thresholds required to predict the impact of this variant on POLG protein function. In summary, the available evidence is currently insufficient to determine the role of this variant in disease. Therefore, it has been classified as a Variant of Uncertain Significance.

GeneDx
Classification: Uncertain significance. Last evaluated: 2019-11-15. Review status: criteria provided, single submitter. Criteria: GeneDx Variant Classification Process June 2021. Collection method: clinical testing. Allele origin: germline. Affected: yes.
Comment: Not observed in large population cohorts (Lek et al., 2016); In silico analysis, which includes protein predictors and evolutionary conservation, supports that this variant does not alter protein structure/function; Has not been previously published as pathogenic or benign to our knowledge

Ambry Genetics
Classification: Uncertain significance for Inborn genetic diseases. Last evaluated: 2019-03-07. Review status: criteria provided, single submitter. Criteria: Ambry Variant Classification Scheme 2023. Collection method: clinical testing. Allele origin: germline.
Comment: The p.E793K variant (also known as c.2377G>A), located in coding exon 13 of the POLG gene, results from a G to A substitution at nucleotide position 2377. The glutamic acid at codon 793 is replaced by lysine, an amino acid with similar properties. This amino acid position is highly conserved in available vertebrate species. In addition, this alteration is predicted to be deleterious by in silico analysis. Since supporting evidence is limited at this time, the clinical significance of this alteration remains unclear.